The following is an entry in ClinVar:

ClinVar aggregate classification (germline): Likely benign (0 of 4 stars; one submission).

Conditions:
SP8-related disorder. Also called: SP8-related condition.

Allele frequency attached by ClinVar (database versions not stated): gnomAD exomes 0.00007; gnomAD 0.00008; 1000 Genomes Project 30x 0.00062.
gnomAD v4.1: 88 of 1,155,574 alleles (0.0076%); highest among the groups gnomAD compares: Admixed American, 0.064%; no homozygotes.

Submission:

PreventionGenetics, part of Exact Sciences
Classification: Likely benign for SP8-related condition. Last evaluated: 2023-01-13. Review status: no assertion criteria provided. Collection method: clinical testing. Allele origin: germline.
Comment: This variant is classified as likely benign based on ACMG/AMP sequence variant interpretation guidelines (Richards et al. 2015 PMID: 25741868, with internal and published modifications).

NM_182700.6(SP8):c.372A>C (p.Ala124=)

Gene: SP8 (Sp8 transcription factor; minus strand). Cytogenetic location: 7p21.1.
Variant type: single nucleotide variant.
Coding change: c.372A>C on transcript NM_182700.6 (MANE Select); coding-DNA position 372, A replaced by C.
Protein change: p.Ala124=; no amino-acid change (alanine 124 retained).
Molecular consequence: synonymous variant.
Genome position (GRCh38, 1-based): chr7:20,785,445, T>G on the plus strand (A>C on the coding strand, the complement: SP8 is on the minus strand). VCF-style: chr7-20785445-T-G. GRCh37 (hg19) VCF-style: chr7-20825064-T-G.
Other names: c.318A>C, p.Ala106= (NM_198956.4).
Identifiers: ClinVar variation 3050029 (VCV003050029.2), dbSNP rs902256887, ClinGen allele CA155011432.